The following is an entry in ClinVar:

NM_024528.4(NKAP):c.768G>T (p.Lys256Asn)

Gene: NKAP (NFKB activating protein; minus strand). Cytogenetic location: Xq24.
Variant type: single nucleotide variant.
Coding change: c.768G>T on transcript NM_024528.4 (MANE Select); coding-DNA position 768, G replaced by T.
Protein change: p.Lys256Asn; replaces lysine 256 with asparagine.
Molecular consequence: missense variant.
Genome position (GRCh38, 1-based): chrX:119,932,186, C>A on the plus strand (G>T on the coding strand, the complement: NKAP is on the minus strand). VCF-style: chrX-119932186-C-A. GRCh37 (hg19) VCF-style: chrX-119066149-C-A.
Other names: c.768G>T (NM_024528.3); short protein forms K256N.
Identifiers: ClinVar variation 1174111 (VCV001174111.6), dbSNP rs372119031, ClinGen allele CA10503753.

ClinVar aggregate classification (germline): Uncertain significance. Review status: criteria provided, multiple submitters, no conflicts (2 of 4 stars). 3 submissions from 3 submitters: Uncertain significance (2). 1 of the submissions does not count toward it. Last evaluated 2025-03-07.

Conditions:
Inborn genetic diseases. Identifiers: MedGen C0950123, MeSH D030342.
Intellectual developmental disorder, X-linked, syndromic, Hackmann-Di Donato type. Also called: MENTAL RETARDATION, X-LINKED, WITH MARFANOID HABITUS, 2. Identifiers: Orphanet 700325, MedGen C5393302, MONDO:0026733, OMIM 301039.
Global developmental delay (DD). Also called: Cognitive delay. Identifiers: MedGen C0557874, HP:0001263. Disease mechanism: loss of function.

Allele frequency attached by ClinVar (database versions not stated): ExAC 0.00002; gnomAD exomes 0.00002 and 0.00003; ESP Exome Variant Server 0.00009.
gnomAD v4.1: 34 of 1,193,401 alleles (0.0028%); highest among the groups gnomAD compares: Non-Finnish European, 0.0035%; no homozygotes.

Submissions (3):

Ambry Genetics
Classification: Uncertain significance for Inborn genetic diseases. Last evaluated: 2025-03-07. Review status: criteria provided, single submitter. Criteria: Ambry Variant Classification Scheme 2023. Collection method: clinical testing. Allele origin: germline.

New York Genome Center
Classification: Uncertain significance for Intellectual developmental disorder, X-linked, syndromic, Hackmann-Di Donato type. Last evaluated: 2022-11-22. Review status: criteria provided, single submitter. Criteria: NYGC Assertion Criteria 2020. Collection method: clinical testing. Allele origin: inherited. Observed: 1 heterozygote.
Comment: The c.768G>T variant in NKAP has not previously been reported in the literature but has been deposited in ClinVar [ClinVar ID: 1174111] as a Variant of Uncertain Significance. The c.768G>T variant is observed in 10 alleles (0.0022% minor allele frequency with 2 hemi-/homozygotes) in population databases (gnomAD v2.1.1 and v3.1.2,TOPMed Freeze 8). The c.768G>T variant is located in exon 6 of this 9-exon gene and is predicted to replace a conserved lysine amino acid with asparagine at position 256 (p.(Lys256Asn) in the HDAC3/transcriptional repression domain of the encoded protein. In silico predictions for p.(Lys256Asn) are not in support ofdamaging effect [(CADD v1.6 = 25, REVEL = 0.097)]; however, there are no functional studies to support or refute these predictions. Based on available evidence this maternally inherited hemizygous c.768G>T p.(Lys256Asn) variant identified in NKAP is classified as a Variant of Uncertain Significance.

Centre de Biologie Pathologie Génétique, Centre Hospitalier Universitaire de Lille
Classification: Uncertain significance for Global developmental delay. Last evaluated: 2020-01-01. Review status: no assertion criteria provided. Collection method: clinical testing. Allele origin: germline. Affected: yes. Not counted in ClinVar's aggregate classification.